The following is an entry in ClinVar:

ClinVar aggregate classification (germline): Uncertain significance (1 of 4 stars; one submission).

Conditions:
Glycogen storage disease, type VII (GSD7). Also called: GSD VII; TARUI DISEASE; MUSCLE PHOSPHOFRUCTOKINASE DEFICIENCY; PFKM DEFICIENCY. Identifiers: Orphanet 371, MedGen C0017926, MONDO:0009295, OMIM 232800.

Allele frequency attached by ClinVar (database versions not stated): gnomAD exomes below 0.00001; TOPMed below 0.00001.
gnomAD v4.1: 2 of 1,614,164 alleles (0.00012%); highest among the groups gnomAD compares: Admixed American, 0.0033%; no homozygotes.

Submission:

Labcorp Genetics (formerly Invitae), Labcorp
Classification: Uncertain significance for Glycogen storage disease, type VII. Last evaluated: 2024-08-05. Review status: criteria provided, single submitter. Criteria: Invitae Variant Classification Sherloc (09022015). Collection method: clinical testing. Allele origin: germline.
Comment: This sequence change replaces alanine, which is neutral and non-polar, with aspartic acid, which is acidic and polar, at codon 343 of the PFKM protein (p.Ala343Asp). This variant is present in population databases (no rsID available, gnomAD 0.003%). This variant has not been reported in the literature in individuals affected with PFKM-related conditions. ClinVar contains an entry for this variant (Variation ID: 2157781). Advanced modeling of protein sequence and biophysical properties (such as structural, functional, and spatial information, amino acid conservation, physicochemical variation, residue mobility, and thermodynamic stability) has been performed at Invitae for this missense variant, however the output from this modeling did not meet the statistical confidence thresholds required to predict the impact of this variant on PFKM protein function. In summary, the available evidence is currently insufficient to determine the role of this variant in disease. Therefore, it has been classified as a Variant of Uncertain Significance.

NM_000289.6(PFKM):c.1028C>A (p.Ala343Asp)

Gene: PFKM (phosphofructokinase, muscle; plus strand). Cytogenetic location: 12q13.11.
Variant type: single nucleotide variant.
Coding change: c.1028C>A on transcript NM_000289.6 (MANE Select); coding-DNA position 1028, C replaced by A.
Protein change: p.Ala343Asp; replaces alanine 343 with aspartic acid.
Molecular consequence: missense variant. On other transcripts: non-coding transcript variant (6), intron variant (1).
Genome position (GRCh38, 1-based): chr12:48,137,812, C>A. VCF-style: chr12-48137812-C-A. GRCh37 (hg19) VCF-style: chr12-48531595-C-A.
Other names: c.1241C>A, p.Ala414Asp (NM_001166686.2, NM_001354737.1, NM_001354738.1 and 1 more transcripts); c.1028C>A, p.Ala343Asp (NM_001166687.2, NM_001166688.2, NM_001354742.2 and 2 more transcripts); c.1337C>A, p.Ala446Asp (NM_001354735.1, NM_001354736.1); c.1172C>A, p.Ala391Asp (NM_001354740.1); c.1052C>A, p.Ala351Asp (NM_001354741.2); c.941C>A, p.Ala314Asp (NM_001354745.2); c.878C>A, p.Ala293Asp (NM_001354747.2, NM_001354748.2); c.935C>A, p.Ala312Asp (NM_001363619.2); and 1 more; short protein forms A293D, A446D, A312D, A314D, A343D, A391D, A414D, A351D.
Identifiers: ClinVar variation 2157781 (VCV002157781.3), dbSNP rs1406085192, ClinGen allele CA384547365.